The following is an entry in ClinVar:

NM_001429.4(EP300):c.4148C>T (p.Ser1383Phe)

Gene: EP300 (EP300 lysine acetyltransferase; plus strand). Cytogenetic location: 22q13.2.
Variant type: single nucleotide variant.
Coding change: c.4148C>T on transcript NM_001429.4 (MANE Select); coding-DNA position 4148, C replaced by T.
Protein change: p.Ser1383Phe; replaces serine 1383 with phenylalanine.
Molecular consequence: missense variant.
Genome position (GRCh38, 1-based): chr22:41,168,843, C>T. VCF-style: chr22-41168843-C-T. GRCh37 (hg19) VCF-style: chr22-41564847-C-T.
Other names: c.4070C>T, p.Ser1357Phe (NM_001362843.2); short protein forms S1383F, S1357F.
Identifiers: ClinVar variation 4997938 (VCV004997938.1).

ClinVar aggregate classification (germline): Uncertain significance (1 of 4 stars; one submission).

Conditions:
EP300-related disorder. Also called: EP300-related condition; EP300-related disorders.

gnomAD v4.1: 2 of 1,614,190 alleles (0.00012%); highest among the groups gnomAD compares: South Asian, 0.0011%; no homozygotes.

Submission:

PreventionGenetics, part of Exact Sciences
Classification: Uncertain significance for EP300-related condition. Last evaluated: 2026-09-23. Review status: criteria provided, single submitter. Criteria: ACMG Guidelines, 2015. Collection method: clinical testing. Allele origin: germline.
Comment: The EP300 c.4148C>T variant is predicted to result in the amino acid substitution p.Ser1383Phe. To our knowledge, this variant has not been reported in the literature. This variant is reported in 0.0033% of alleles in individuals of South Asian descent in gnomAD. At this time, the clinical significance of this variant is uncertain due to the absence of conclusive functional and genetic evidence.